The following is an entry in ClinVar:

NM_000124.4(ERCC6):c.3125C>T (p.Pro1042Leu)

Gene: ERCC6 (ERCC excision repair 6, chromatin remodeling factor; minus strand). Cytogenetic location: 10q11.23.
Variant type: single nucleotide variant.
Coding change: c.3125C>T on transcript NM_000124.4 (MANE Select); coding-DNA position 3125, C replaced by T.
Protein change: p.Pro1042Leu; replaces proline 1042 with leucine.
Molecular consequence: missense variant.
Genome position (GRCh38, 1-based): chr10:49,470,835, G>A on the plus strand (C>T on the coding strand, the complement: ERCC6 is on the minus strand). VCF-style: chr10-49470835-G-A. GRCh37 (hg19) VCF-style: chr10-50678881-G-A.
Other names: c.3125C>T, p.Pro1042Leu (NM_001346440.2); short protein forms P1042L.
Identifiers: ClinVar variation 3895585 (VCV003895585.1).

ClinVar aggregate classification (germline): Likely pathogenic (1 of 4 stars; one submission).

Conditions:
Cockayne syndrome. Identifiers: Orphanet 191, MedGen C0009207, MONDO:0016006.

Submission:

Women's Health and Genetics/Laboratory Corporation of America, LabCorp
Classification: Likely pathogenic for Cockayne syndrome. Last evaluated: 2025-03-17. Review status: criteria provided, single submitter. Criteria: LabCorp Variant Classification Summary - May 2015. Collection method: clinical testing. Allele origin: germline.
Comment: Variant summary: ERCC6 c.3125C>T (p.Pro1042Leu) results in a non-conservative amino acid change in the encoded protein sequence. Four of five in-silico tools predict a benign effect of the variant on protein function. The variant was absent in 251066 control chromosomes. c.3125C>T has been reported in the literature in at-least one individual affected with Cockayne Syndrome in whom a pathogenic variant was carried in trans (example: Mallery_1998). At least one publication reports experimental evidence evaluating an impact on protein function. Specifically, inactivation was demonstrated via the variant's failure to restore UV-irradiation resistance to hamster UV61 cells (example: Mallery_1998). The following publication has been ascertained in the context of this evaluation (PMID: 9443879). No submitters have cited clinical-significance assessments for this variant to ClinVar. Based on the evidence outlined above, the variant was classified as likely pathogenic.

Literature cited by the submitters: PubMed 9443879.